The following is an entry in ClinVar:

NM_005876.5(SPEG):c.5809C>T (p.Arg1937Cys)

Genes: ASIC4-AS1 (ASIC4 antisense RNA 1; minus strand), SPEG (striated muscle enriched protein kinase; plus strand). Cytogenetic location: 2q35.
Variant type: single nucleotide variant.
Coding change: c.5809C>T on transcript NM_005876.5 (MANE Select); coding-DNA position 5809, C replaced by T.
Protein change: p.Arg1937Cys; replaces arginine 1937 with cysteine.
Molecular consequence: missense variant.
Genome position (GRCh38, 1-based): chr2:219,483,272, C>T. VCF-style: chr2-219483272-C-T. GRCh37 (hg19) VCF-style: chr2-220347994-C-T.
Other names: short protein forms R1937C.
Identifiers: ClinVar variation 1415386 (VCV001415386.4), dbSNP rs371924301, ClinGen allele CA2126952.

ClinVar aggregate classification (germline): Uncertain significance (1 of 4 stars; one submission).

Allele frequency attached by ClinVar (database versions not stated): gnomAD exomes below 0.00001 and 0.00001; ExAC 0.00001; TOPMed 0.00003; gnomAD 0.00005; ESP Exome Variant Server 0.00008.
gnomAD v4.1: 20 of 1,608,210 alleles (0.0012%); highest among the groups gnomAD compares: African/African-American, 0.015%; no homozygotes.

Submission:

Labcorp Genetics (formerly Invitae), Labcorp
Classification: Uncertain significance. Last evaluated: 2021-10-27. Review status: criteria provided, single submitter. Criteria: Invitae Variant Classification Sherloc (09022015). Collection method: clinical testing. Allele origin: germline.
Comment: In summary, the available evidence is currently insufficient to determine the role of this variant in disease. Therefore, it has been classified as a Variant of Uncertain Significance. Algorithms developed to predict the effect of missense changes on protein structure and function are either unavailable or do not agree on the potential impact of this missense change (SIFT: "Deleterious"; PolyPhen-2: "Probably Damaging"; Align-GVGD: "Class C0"). This variant has not been reported in the literature in individuals affected with SPEG-related conditions. The frequency data for this variant in the population databases is considered unreliable, as metrics indicate poor data quality at this position in the gnomAD database. This sequence change replaces arginine, a(n) basic and polar amino acid, with cysteine, a(n) neutral and slightly polar amino acid, at codon 1937 of the SPEG protein (p.Arg1937Cys).